The following is an entry in ClinVar:

ClinVar aggregate classification (germline): Likely benign. Review status: criteria provided, multiple submitters, no conflicts (2 of 4 stars). 4 submissions from 4 submitters: Likely benign (3). 1 of the submissions does not count toward it. Last evaluated 2025-11-19.

Conditions:
BACH2-related disorder. Also called: BACH2-related condition.

Allele frequency attached by ClinVar (database versions not stated): gnomAD 0.00163 and 0.00182; 1000 Genomes Project 30x 0.00187; 1000 Genomes Project 0.00200; ESP Exome Variant Server 0.00246.
gnomAD v4.1: 447 of 1,614,212 alleles (0.028%); highest among the groups gnomAD compares: African/African-American, 0.54%; 1 homozygote.

Submissions (4):

Labcorp Genetics (formerly Invitae), Labcorp
Classification: Likely benign. Last evaluated: 2025-11-19. Review status: criteria provided, single submitter. Criteria: Invitae Variant Classification Sherloc (09022015). Collection method: clinical testing. Allele origin: germline.

Blueprint Genetics
Classification: Likely benign. Last evaluated: 2024-08-06. Review status: criteria provided, single submitter. Criteria: ACMG Guidelines, 2015. Collection method: clinical testing. Allele origin: germline.

Breakthrough Genomics
Classification: Likely benign. Review status: criteria provided, single submitter. Criteria: ACMG Guidelines, 2015. Collection method: not provided. Allele origin: germline. Inheritance: Autosomal dominant inheritance. Affected: yes.

PreventionGenetics, part of Exact Sciences
Classification: Benign for BACH2-related condition. Last evaluated: 2024-06-25. Review status: no assertion criteria provided. Collection method: clinical testing. Allele origin: germline. Not counted in ClinVar's aggregate classification.
Comment: This variant is classified as benign based on ACMG/AMP sequence variant interpretation guidelines (Richards et al. 2015 PMID: 25741868, with internal and published modifications).

NM_021813.4(BACH2):c.452G>C (p.Arg151Pro)

Gene: BACH2 (BACH transcriptional regulator 2; minus strand). Cytogenetic location: 6q15.
Variant type: single nucleotide variant.
Coding change: c.452G>C on transcript NM_021813.4 (MANE Select); coding-DNA position 452, G replaced by C.
Protein change: p.Arg151Pro; replaces arginine 151 with proline.
Molecular consequence: missense variant.
Genome position (GRCh38, 1-based): chr6:89,951,654, C>G on the plus strand (G>C on the coding strand, the complement: BACH2 is on the minus strand). VCF-style: chr6-89951654-C-G. GRCh37 (hg19) VCF-style: chr6-90661373-C-G.
Other names: c.452G>C, p.Arg151Pro (NM_001170794.2); c.452G>C (NM_021813.3); short protein forms R151P.
Identifiers: ClinVar variation 1556140 (VCV001556140.12), dbSNP rs144637668, ClinGen allele CA3928167.